The following is an entry in ClinVar:

NM_001040108.2(MLH3):c.1421A>T (p.Glu474Val)

Gene: MLH3 (mutL homolog 3; minus strand). Cytogenetic location: 14q24.3.
Variant type: single nucleotide variant.
Coding change: c.1421A>T on transcript NM_001040108.2 (MANE Select); coding-DNA position 1421, A replaced by T.
Protein change: p.Glu474Val; replaces glutamic acid 474 with valine.
Molecular consequence: missense variant.
Genome position (GRCh38, 1-based): chr14:75,048,235, T>A on the plus strand (A>T on the coding strand, the complement: MLH3 is on the minus strand). VCF-style: chr14-75048235-T-A. GRCh37 (hg19) VCF-style: chr14-75514938-T-A.
Other names: c.1421A>T, p.Glu474Val (NM_014381.3); short protein forms E474V.
Identifiers: ClinVar variation 1772266 (VCV001772266.2), dbSNP rs1339310845, ClinGen allele CA390445772.

ClinVar aggregate classification (germline): Uncertain significance (1 of 4 stars; one submission).

Submission:

Ambry Genetics
Classification: Uncertain significance. Last evaluated: 2022-02-01. Review status: criteria provided, single submitter. Criteria: Ambry Variant Classification Scheme 2023. Collection method: clinical testing. Allele origin: germline.
Comment: The p.E474V variant (also known as c.1421A>T), located in coding exon 1 of the MLH3 gene, results from an A to T substitution at nucleotide position 1421. The glutamic acid at codon 474 is replaced by valine, an amino acid with dissimilar properties. This amino acid position is not well conserved in available vertebrate species. In addition, this alteration is predicted to be tolerated by in silico analysis. Since supporting evidence is limited at this time, the clinical significance of this alteration remains unclear.